The following is an entry in ClinVar:

NM_021871.4(FGA):c.1179T>A (p.Phe393Leu)

Gene: FGA (fibrinogen alpha chain; minus strand). Cytogenetic location: 4q31.3.
Variant type: single nucleotide variant.
Coding change: c.1179T>A on transcript NM_021871.4 (MANE Select); coding-DNA position 1179, T replaced by A.
Protein change: p.Phe393Leu; replaces phenylalanine 393 with leucine.
Molecular consequence: missense variant.
Genome position (GRCh38, 1-based): chr4:154,586,250, A>T on the plus strand (T>A on the coding strand, the complement: FGA is on the minus strand). VCF-style: chr4-154586250-A-T. GRCh37 (hg19) VCF-style: chr4-155507402-A-T.
Other names: c.1179T>A, p.Phe393Leu (NM_000508.5); short protein forms F393L.
Identifiers: ClinVar variation 3347392 (VCV003347392.1).

ClinVar aggregate classification (germline): Uncertain significance (0 of 4 stars; one submission).

Conditions:
FGA-related disorder. Also called: FGA-related disorders; FGA-related condition.

Submission:

PreventionGenetics, part of Exact Sciences
Classification: Uncertain significance for FGA-related condition. Last evaluated: 2024-06-24. Review status: no assertion criteria provided. Collection method: clinical testing. Allele origin: germline.
Comment: The FGA c.1179T>A variant is predicted to result in the amino acid substitution p.Phe393Leu. To our knowledge, this variant has not been reported in the literature or in a large population database, indicating this variant is rare. At this time, the clinical significance of this variant is uncertain due to the absence of conclusive functional and genetic evidence.